The following is an entry in ClinVar:

ClinVar aggregate classification (germline): Uncertain significance (1 of 4 stars; one submission).

Conditions:
X-linked Emery-Dreifuss muscular dystrophy. Also called: Muscular dystrophy, tardive Emery-Dreifuss type, with contractures. Identifiers: Orphanet 261, Orphanet 98863, MedGen C0751337, MONDO:0010680.

Submission:

Labcorp Genetics (formerly Invitae), Labcorp
Classification: Uncertain significance for X-linked Emery-Dreifuss muscular dystrophy. Last evaluated: 2022-03-19. Review status: criteria provided, single submitter. Criteria: Invitae Variant Classification Sherloc (09022015). Collection method: clinical testing. Allele origin: germline.
Comment: This sequence change replaces glycine, which is neutral and non-polar, with alanine, which is neutral and non-polar, at codon 214 of the EMD protein (p.Gly214Ala). This variant is not present in population databases (gnomAD no frequency). This variant has not been reported in the literature in individuals affected with EMD-related conditions. Algorithms developed to predict the effect of missense changes on protein structure and function output the following: SIFT: "Tolerated"; PolyPhen-2: "Benign"; Align-GVGD: "Class C0". The alanine amino acid residue is found in multiple mammalian species, which suggests that this missense change does not adversely affect protein function. In summary, the available evidence is currently insufficient to determine the role of this variant in disease. Therefore, it has been classified as a Variant of Uncertain Significance.

NM_000117.3(EMD):c.641G>C (p.Gly214Ala)

Gene: EMD (emerin; plus strand). Cytogenetic location: Xq28.
Variant type: single nucleotide variant.
Coding change: c.641G>C on transcript NM_000117.3 (MANE Select); coding-DNA position 641, G replaced by C.
Protein change: p.Gly214Ala; replaces glycine 214 with alanine.
Molecular consequence: missense variant.
Genome position (GRCh38, 1-based): chrX:154,381,073, G>C. VCF-style: chrX-154381073-G-C. GRCh37 (hg19) VCF-style: chrX-153609433-G-C.
Other names: short protein forms G214A.
Identifiers: ClinVar variation 1483481 (VCV001483481.5), dbSNP rs2148128967, ClinGen allele CA415259076.